The following is an entry in ClinVar:

NM_017654.4(SAMD9):c.2656A>G (p.Met886Val)

Gene: SAMD9 (sterile alpha motif domain containing 9; minus strand). Cytogenetic location: 7q21.2.
Variant type: single nucleotide variant.
Coding change: c.2656A>G on transcript NM_017654.4 (MANE Select); coding-DNA position 2656, A replaced by G.
Protein change: p.Met886Val; replaces methionine 886 with valine.
Molecular consequence: missense variant.
Genome position (GRCh38, 1-based): chr7:93,103,442, T>C on the plus strand (A>G on the coding strand, the complement: SAMD9 is on the minus strand). VCF-style: chr7-93103442-T-C. GRCh37 (hg19) VCF-style: chr7-92732755-T-C.
Other names: c.2656A>G, p.Met886Val (NM_001193307.2); short protein forms M886V.
Identifiers: ClinVar variation 3346109 (VCV003346109.2).

ClinVar aggregate classification (germline): Uncertain significance. Review status: criteria provided, single submitter (1 of 4 stars). 2 submissions from 2 submitters: Uncertain significance (1). 1 of the submissions does not count toward it. Last evaluated 2024-12-02.

Conditions:
Inborn genetic diseases. Identifiers: MedGen C0950123, MeSH D030342.
SAMD9-related disorder. Also called: SAMD9-related condition.

gnomAD v4.1: 5 of 1,613,078 alleles (0.00031%); highest among the groups gnomAD compares: Non-Finnish European, 0.00042%; no homozygotes.

Submissions (2):

Ambry Genetics
Classification: Uncertain significance for Inborn genetic diseases. Last evaluated: 2024-12-02. Review status: criteria provided, single submitter. Criteria: Ambry Variant Classification Scheme 2023. Collection method: clinical testing. Allele origin: germline.
Comment: The p.M886V variant (also known as c.2656A>G), located in coding exon 1 of the SAMD9 gene, results from an A to G substitution at nucleotide position 2656. The methionine at codon 886 is replaced by valine, an amino acid with highly similar properties. This amino acid position is conserved. In addition, this alteration is predicted to be tolerated by in silico analysis. Based on the available evidence, the clinical significance of this variant remains unclear.

PreventionGenetics, part of Exact Sciences
Classification: Uncertain significance for SAMD9-related condition. Last evaluated: 2024-04-18. Review status: no assertion criteria provided. Collection method: clinical testing. Allele origin: germline. Not counted in ClinVar's aggregate classification.
Comment: The SAMD9 c.2656A>G variant is predicted to result in the amino acid substitution p.Met886Val. To our knowledge, this variant has not been reported in the literature or in a large population database, indicating this variant is rare. At this time, the clinical significance of this variant is uncertain due to the absence of conclusive functional and genetic evidence.